The following is an entry in ClinVar:

ClinVar aggregate classification (germline): Uncertain significance (1 of 4 stars; one submission).

Conditions:
Emery-Dreifuss muscular dystrophy 4, autosomal dominant (EDMD4). Also called: EMERY-DREIFUSS MUSCULAR DYSTROPHY 4 WITH VARIABLE FEATURES. Identifiers: Orphanet 261, MedGen C2751807, MONDO:0013071, OMIM 612998.
Autosomal recessive ataxia, Beauce type. Also called: Spinocerebellar ataxia, autosomal recessive 8; ATAXIA, RECESSIVE, OF BEAUCE; SYNE1 Deficiency; SYNE1-Related Autosomal Recessive Cerebellar Ataxia. Identifiers: Orphanet 88644, MedGen C1853116, MONDO:0012549, OMIM 610743.

Submission:

Labcorp Genetics (formerly Invitae), Labcorp
Classification: Uncertain significance for Emery-Dreifuss muscular dystrophy 4, autosomal dominant; Autosomal recessive ataxia, Beauce type. Last evaluated: 2024-10-24. Review status: criteria provided, single submitter. Criteria: Invitae Variant Classification Sherloc (09022015). Collection method: clinical testing. Allele origin: germline.
Comment: This sequence change replaces glutamine, which is neutral and polar, with lysine, which is basic and polar, at codon 6590 of the SYNE1 protein (p.Gln6590Lys). Information on the frequency of this variant in the gnomAD database is not available, as this variant may be reported differently in the database. This variant has not been reported in the literature in individuals affected with SYNE1-related conditions. ClinVar contains an entry for this variant (Variation ID: 1052304). Experimental studies and prediction algorithms are not available or were not evaluated, and the functional significance of this variant is currently unknown. In summary, the available evidence is currently insufficient to determine the role of this variant in disease. Therefore, it has been classified as a Variant of Uncertain Significance.

NM_182961.4(SYNE1):c.19980_19981delinsAA (p.Gln6661Lys)

Gene: SYNE1 (spectrin repeat containing nuclear envelope protein 1; minus strand). Cytogenetic location: 6q25.2.
Variant type: Indel.
Coding change: c.19980_19981delinsAA on transcript NM_182961.4 (MANE Select); coding-DNA positions 19980 to 19981, CC replaced by AA.
Protein change: p.Gln6661Lys; replaces glutamine 6661 with lysine.
Molecular consequence: missense variant.
Genome position (GRCh38, 1-based): chr6:152,239,619-152,239,620, GG replaced by TT on the plus strand (CC replaced by AA on the coding strand, the reverse complement: SYNE1 is on the minus strand). VCF-style: chr6-152239619-GG-TT. GRCh37 (hg19) VCF-style: chr6-152560754-GG-TT.
Other names: c.19767_19768delinsAA, p.Gln6590Lys (NM_033071.5); short protein forms Q6590K, Q6661K.
Identifiers: ClinVar variation 1052304 (VCV001052304.7), dbSNP rs2153551621, ClinGen allele CA2499218141.